The following is an entry in ClinVar:

ClinVar aggregate classification (germline): Pathogenic. Review status: criteria provided, multiple submitters, no conflicts (2 of 4 stars). 2 submissions from 2 submitters: Pathogenic (2). Last evaluated 2024-09-04.

Conditions:
Retinoblastoma (RB1). Also called: RETINOBLASTOMA, SOMATIC. Identifiers: Orphanet 790, MedGen C0035335, MeSH D012175, MONDO:0008380, OMIM 180200, HP:0009919. Disease mechanism: loss of function. Inheritance: Both sporadic and heritable forms are tested..

Submissions (2):

GeneDx
Classification: Pathogenic. Last evaluated: 2024-09-04. Review status: criteria provided, single submitter. Criteria: GeneDx Variant Classification Process June 2021. Collection method: clinical testing. Allele origin: germline. Affected: yes.
Comment: Nonsense variant predicted to result in protein truncation or nonsense mediated decay in a gene for which loss of function is a known mechanism of disease; Not observed at significant frequency in large population cohorts (gnomAD); This variant is associated with the following publications: (PMID: 37602348, 34301788)

St. Jude Molecular Pathology, St. Jude Children's Research Hospital
Classification: Pathogenic for Retinoblastoma. Last evaluated: 2016-11-16. Review status: criteria provided, single submitter. Criteria: ACMG Guidelines, 2015. Collection method: clinical testing. Allele origin: germline. Affected: yes.
Comment: This is a nonsense alteration in which an A is replaced by a T at coding nucleotide 1294 and is predicted to change a Lysine to a premature stop codon at amino acid codon 432. Classification criteria: PVS1, PM2, PP4.

NM_000321.3(RB1):c.1294A>T (p.Lys432Ter)

Gene: RB1 (RB transcriptional corepressor 1; plus strand). Cytogenetic location: 13q14.2.
Variant type: single nucleotide variant.
Coding change: c.1294A>T on transcript NM_000321.3 (MANE Select); coding-DNA position 1294, A replaced by T.
Protein change: p.Lys432Ter; replaces lysine 432 with a stop codon.
Molecular consequence: nonsense.
Genome position (GRCh38, 1-based): chr13:48,376,996, A>T. VCF-style: chr13-48376996-A-T. GRCh37 (hg19) VCF-style: chr13-48951132-A-T.
Other names: short protein forms K432*.
Identifiers: ClinVar variation 590847 (VCV000590847.4), dbSNP rs1566197747, ClinGen allele CA388162113.